The following is an entry in ClinVar:

ClinVar aggregate classification (germline): Conflicting classifications of pathogenicity. Review status: criteria provided, conflicting classifications (1 of 4 stars). 2 submissions from 2 submitters: Likely pathogenic (1); Uncertain significance (1). Last evaluated 2026-04-24.

Conditions:
Glycogen storage disease, type II (IOPD). Also called: Pompe Disease; CARDIOMEGALIA GLYCOGENICA DIFFUSA; Glucosidase acid-1,4-alpha deficiency; POMPE DISEASE, INFANTILE-ONSET; GLYCOGEN STORAGE DISEASE II, INFANTILE-ONSET; ACID ALPHA-GLUCOSIDASE DEFICIENCY, INFANTILE-ONSET. Identifiers: Orphanet 365, MedGen C0017921, MONDO:0009290, OMIM 232300.

Submissions (2):

Myriad Genetics, Inc.
Classification: Uncertain significance for Glycogen storage disease, type II. Last evaluated: 2026-04-24. Review status: criteria provided, single submitter. Criteria: Myriad Autosomal Dominant, Autosomal Recessive and X-Linked Classification Criteria (2023). Collection method: clinical testing. Allele origin: unknown.
Comment: NM_000152.3(GAA):c.671G>T(R224L) is a missense variant classified as a variant of uncertain significance in the context of Pompe disease. R224L has not been observed in cases with relevant disease. Relevant functional assessments of this variant are not available in the literature. R224L has not been observed in referenced population frequency databases. In summary, there is insufficient evidence to classify NM_000152.3(GAA):c.671G>T(R224L) as pathogenic or benign. Please note: this variant was assessed in the context of healthy population screening.

Labcorp Genetics (formerly Invitae), Labcorp
Classification: Likely pathogenic for Glycogen storage disease, type II. Last evaluated: 2023-05-23. Review status: criteria provided, single submitter. Criteria: Invitae Variant Classification Sherloc (09022015). Collection method: clinical testing. Allele origin: germline.
Comment: In summary, the currently available evidence indicates that the variant is pathogenic, but additional data are needed to prove that conclusively. Therefore, this variant has been classified as Likely Pathogenic. This variant disrupts the p.Arg224 amino acid residue in GAA. Other variant(s) that disrupt this residue have been determined to be pathogenic (PMID: 12923862, 14643388, 18429042, 25026126, 29422078). This suggests that this residue is clinically significant, and that variants that disrupt this residue are likely to be disease-causing. Advanced modeling of protein sequence and biophysical properties (such as structural, functional, and spatial information, amino acid conservation, physicochemical variation, residue mobility, and thermodynamic stability) performed at Invitae indicates that this missense variant is expected to disrupt GAA protein function. This variant has not been reported in the literature in individuals affected with GAA-related conditions. This variant is not present in population databases (gnomAD no frequency). This sequence change replaces arginine, which is basic and polar, with leucine, which is neutral and non-polar, at codon 224 of the GAA protein (p.Arg224Leu).

Literature cited by the submitters: PubMed 12923862 (cited by Labcorp Genetics (formerly Invitae), Labcorp); PubMed 14643388 (cited by Labcorp Genetics (formerly Invitae), Labcorp); PubMed 18429042 (cited by Labcorp Genetics (formerly Invitae), Labcorp); PubMed 25026126 (cited by Labcorp Genetics (formerly Invitae), Labcorp); PubMed 29422078 (cited by Labcorp Genetics (formerly Invitae), Labcorp).

NM_000152.5(GAA):c.671G>T (p.Arg224Leu)

Gene: GAA (alpha glucosidase; plus strand). Cytogenetic location: 17q25.3.
Variant type: single nucleotide variant.
Coding change: c.671G>T on transcript NM_000152.5 (MANE Select); coding-DNA position 671, G replaced by T.
Protein change: p.Arg224Leu; replaces arginine 224 with leucine.
Molecular consequence: missense variant.
Genome position (GRCh38, 1-based): chr17:80,105,873, G>T. VCF-style: chr17-80105873-G-T. GRCh37 (hg19) VCF-style: chr17-78079672-G-T.
Other names: c.671G>T, p.Arg224Leu (NM_001079803.3, NM_001079804.3, NM_001406741.1 and 1 more transcripts); short protein forms R224L.
Identifiers: ClinVar variation 2743371 (VCV002743371.4), dbSNP rs200210219, ClinGen allele CA401362528.